The following is an entry in ClinVar:

NM_014989.7(RIMS1):c.378T>A (p.Asp126Glu)

Gene: RIMS1 (regulating synaptic membrane exocytosis 1; plus strand). Cytogenetic location: 6q13.
Variant type: single nucleotide variant.
Coding change: c.378T>A on transcript NM_014989.7 (MANE Select); coding-DNA position 378, T replaced by A.
Protein change: p.Asp126Glu; replaces aspartic acid 126 with glutamic acid.
Molecular consequence: missense variant.
Genome position (GRCh38, 1-based): chr6:72,097,081, T>A. VCF-style: chr6-72097081-T-A. GRCh37 (hg19) VCF-style: chr6-72806784-T-A.
Other names: c.375T>A, p.Asp125Glu (NM_001350411.1); c.297T>A, p.Asp99Glu (NM_001350412.1); c.378T>A, p.Asp126Glu (NM_001350413.1); short protein forms D99E, D125E, D126E.
Identifiers: ClinVar variation 1957724 (VCV001957724.5), dbSNP rs372731230, ClinGen allele CA3885466.
Genomic context (GRCh38, chr6:72,097,081, plus strand): 5'-GGGCGAGCACAAAGACGATGCTCCGACTTGTGGAATCTGTCATAAAACAAAGTTTGCTGA[T>A]GGGTGCGGTCATCTCTGCTCCTATTGTCGCACTAAGTTCTGTGCGCGCTGCGGAGGCCGC-3'
Protein context (NP_055804.2, residues 116-136): CGICHKTKFA[Asp126Glu]GCGHLCSYCR

ClinVar aggregate classification (germline): Uncertain significance (1 of 4 stars; one submission).

Allele frequency attached by ClinVar (database versions not stated): gnomAD 0.00001; ExAC 0.00002; ESP Exome Variant Server 0.00008.
gnomAD v4.1: 28 of 1,613,876 alleles (0.0017%); highest among the groups gnomAD compares: Non-Finnish European, 0.0023%; no homozygotes.

Submission:

Labcorp Genetics (formerly Invitae), Labcorp
Classification: Uncertain significance. Last evaluated: 2024-04-25. Review status: criteria provided, single submitter. Criteria: Invitae Variant Classification Sherloc (09022015). Collection method: clinical testing. Allele origin: germline.
Comment: This sequence change replaces aspartic acid, which is acidic and polar, with glutamic acid, which is acidic and polar, at codon 126 of the RIMS1 protein (p.Asp126Glu). This variant is present in population databases (rs372731230, gnomAD 0.004%). This variant has not been reported in the literature in individuals affected with RIMS1-related conditions. ClinVar contains an entry for this variant (Variation ID: 1957724). An algorithm developed to predict the effect of missense changes on protein structure and function (PolyPhen-2) suggests that this variant is likely to be disruptive. In summary, the available evidence is currently insufficient to determine the role of this variant in disease. Therefore, it has been classified as a Variant of Uncertain Significance.